The following is an entry in ClinVar:

ClinVar aggregate classification (germline): Uncertain significance (1 of 4 stars; one submission).

Allele frequency attached by ClinVar (database versions not stated): TOPMed below 0.00001; ExAC 0.00002; gnomAD 0.00002; gnomAD exomes 0.00002.
gnomAD v4.1: 29 of 1,613,868 alleles (0.0018%); highest among the groups gnomAD compares: South Asian, 0.0066%; no homozygotes.

Submission:

Labcorp Genetics (formerly Invitae), Labcorp
Classification: Uncertain significance. Last evaluated: 2026-01-05. Review status: criteria provided, single submitter. Criteria: Invitae Variant Classification Sherloc (09022015). Collection method: clinical testing. Allele origin: germline.
Comment: This sequence change replaces glycine, which is neutral and non-polar, with arginine, which is basic and polar, at codon 1854 of the FN1 protein (p.Gly1854Arg). This variant is present in population databases (rs777907579, gnomAD 0.01%). This variant has not been reported in the literature in individuals affected with FN1-related conditions. ClinVar contains an entry for this variant (Variation ID: 1942191). An algorithm developed to predict the effect of missense changes on protein structure and function (PolyPhen-2) suggests that this variant is likely to be disruptive. In summary, the available evidence is currently insufficient to determine the role of this variant in disease. Therefore, it has been classified as a Variant of Uncertain Significance.

NM_212482.4(FN1):c.5560G>A (p.Gly1854Arg)

Gene: FN1 (fibronectin 1; minus strand). Cytogenetic location: 2q35.
Variant type: single nucleotide variant.
Coding change: c.5560G>A on transcript NM_212482.4 (MANE Select); coding-DNA position 5560, G replaced by A.
Protein change: p.Gly1854Arg; replaces glycine 1854 with arginine.
Molecular consequence: missense variant.
Genome position (GRCh38, 1-based): chr2:215,379,192, C>T on the plus strand (G>A on the coding strand, the complement: FN1 is on the minus strand). VCF-style: chr2-215379192-C-T. GRCh37 (hg19) VCF-style: chr2-216243915-C-T.
Other names: c.5560G>A, p.Gly1854Arg (NM_001306129.2); c.5290G>A, p.Gly1764Arg (NM_001306130.2, NM_001365517.2, NM_001365519.2 and 2 more transcripts); c.5017G>A, p.Gly1673Arg (NM_001306131.2, NM_001306132.2, NM_001365523.2 and 2 more transcripts); c.5287G>A, p.Gly1763Arg (NM_001365518.2, NM_001365520.2, NM_001365524.2 and 2 more transcripts); short protein forms G1763R, G1673R, G1764R, G1854R.
Identifiers: ClinVar variation 1942191 (VCV001942191.5), dbSNP rs777907579, ClinGen allele CA2094117.
Genomic context (GRCh38, chr2:215,379,192, plus strand): 5'-TAAGTCCTGATACAACCACGGATGAGCTGTCAGGAGCAAGGTTGATTTCTTTCATTGGTC[C>T]GGTCTTCTCCTTGGGGGTCACCCGCACTCGATATCCAGTGAGCTGAACATTGGGTGGTGT-3'
Protein context (NP_997647.2, residues 1844-1864): RVRVTPKEKT[Gly1854Arg]PMKEINLAPD